The following is an entry in ClinVar:

NM_001655.5(ARCN1):c.1241+1G>T

Gene: ARCN1 (archain 1 coat protein complex I subunit delta; plus strand). Cytogenetic location: 11q23.3.
Variant type: single nucleotide variant.
Coding change: c.1241+1G>T on transcript NM_001655.5 (MANE Select); the canonical splice donor site of the intron after coding-DNA position 1241, G replaced by T.
Molecular consequence: splice donor variant.
Genome position (GRCh38, 1-based): chr11:118,593,699, G>T. VCF-style: chr11-118593699-G-T. GRCh37 (hg19) VCF-style: chr11-118464414-G-T.
Other names: c.1172+1G>T (NM_001425076.1); c.1241+1G>T (NM_001425073.1, NM_001425078.1); c.1076+1G>T (NM_001425077.1); c.1238+1G>T (NM_001425074.1, NM_001425079.1); c.1184+1G>T (NM_001425075.1); c.977+1G>T (NM_001142281.2, NM_001425081.1); c.797+1G>T (NM_001425080.1).
Identifiers: ClinVar variation 4993926 (VCV004993926.1).

ClinVar aggregate classification (germline): Likely pathogenic (1 of 4 stars; one submission).

Conditions:
ARCN1-related disorder. Also called: ARCN1-related condition.

Submission:

PreventionGenetics, part of Exact Sciences
Classification: Likely pathogenic for ARCN1-related condition. Last evaluated: 2026-06-12. Review status: criteria provided, single submitter. Criteria: ACMG Guidelines, 2015. Collection method: clinical testing. Allele origin: germline.
Comment: The ARCN1 c.1241+1G>T variant is predicted to disrupt the GT donor site and interfere with normal splicing. To our knowledge, this variant has not been reported in the literature or in a large population database (gnomAD), indicating this variant is rare. An alternative nucleotide substitution at this position (c.1241+1G>A) has been reported as de novo in a patient with central precocious puberty, intrauterine growth restriction, microcephaly, and microretrognathia (Chang et al. 2024. PubMed ID: 39731039). Variants that disrupt the consensus splice donor site in ARCN1 are expected to be pathogenic. This variant is interpreted as likely pathogenic.